The following is an entry in ClinVar:

ClinVar aggregate classification (germline): Uncertain significance. Review status: criteria provided, multiple submitters, no conflicts (2 of 4 stars). 4 submissions from 4 submitters: Uncertain significance (3). 1 of the submissions does not count toward it. Last evaluated 2025-12-11.

Conditions:
Hereditary cancer-predisposing syndrome. Also called: Tumor predisposition; Neoplastic Syndromes, Hereditary; Hereditary Cancer Syndrome; Hereditary neoplastic syndrome. Identifiers: Orphanet 140162, MedGen C0027672, MeSH D009386, MONDO:0015356.
Microcephaly, normal intelligence and immunodeficiency (NBS). Also called: BERLIN BREAKAGE SYNDROME; Ataxia telangiectasia variant V1; IMMUNODEFICIENCY, MICROCEPHALY, AND CHROMOSOMAL INSTABILITY; SEEMANOVA SYNDROME II; Immunodeficiency, microcephaly with normal intelligence; Nijmegen breakage syndrome. Identifiers: Orphanet 647, MedGen C0398791, MONDO:0009623, OMIM 251260.

Allele frequency attached by ClinVar (database versions not stated): gnomAD exomes below 0.00001.
gnomAD v4.1: 1 of 1,612,856 alleles (0.000062%); highest among the groups gnomAD compares: Non-Finnish European, 0.000085%; no homozygotes.

Submissions (4):

Ambry Genetics
Classification: Uncertain significance for Hereditary cancer-predisposing syndrome. Last evaluated: 2025-12-11. Review status: criteria provided, single submitter. Criteria: Ambry Variant Classification Scheme 2023. Collection method: clinical testing. Allele origin: germline.

Labcorp Genetics (formerly Invitae), Labcorp
Classification: Uncertain significance for Microcephaly, normal intelligence and immunodeficiency. Last evaluated: 2023-10-25. Review status: criteria provided, single submitter. Criteria: Invitae Variant Classification Sherloc (09022015). Collection method: clinical testing. Allele origin: germline.
Comment: This sequence change replaces threonine, which is neutral and polar, with isoleucine, which is neutral and non-polar, at codon 226 of the NBN protein (p.Thr226Ile). This variant is not present in population databases (gnomAD no frequency). This variant has not been reported in the literature in individuals affected with NBN-related conditions. ClinVar contains an entry for this variant (Variation ID: 490060). An algorithm developed to predict the effect of missense changes on protein structure and function (PolyPhen-2) suggests that this variant is likely to be disruptive. In summary, the available evidence is currently insufficient to determine the role of this variant in disease. Therefore, it has been classified as a Variant of Uncertain Significance.

Genome-Nilou Lab
Classification: Uncertain significance for Microcephaly, normal intelligence and immunodeficiency. Last evaluated: 2021-11-07. Review status: criteria provided, single submitter. Criteria: ACMG Guidelines, 2015. Collection method: clinical testing. Allele origin: germline. Affected: no.

Natera, Inc.
Classification: Uncertain significance for Nijmegen breakage syndrome. Last evaluated: 2021-09-16. Review status: no assertion criteria provided. Collection method: clinical testing. Allele origin: germline. Not counted in ClinVar's aggregate classification.

NM_002485.5(NBN):c.677C>T (p.Thr226Ile)

Gene: NBN (nibrin; minus strand). Cytogenetic location: 8q21.3.
Variant type: single nucleotide variant.
Coding change: c.677C>T on transcript NM_002485.5 (MANE Select); coding-DNA position 677, C replaced by T.
Protein change: p.Thr226Ile; replaces threonine 226 with isoleucine.
Molecular consequence: missense variant.
Genome position (GRCh38, 1-based): chr8:89,971,198, G>A on the plus strand (C>T on the coding strand, the complement: NBN is on the minus strand). VCF-style: chr8-89971198-G-A. GRCh37 (hg19) VCF-style: chr8-90983426-G-A.
Other names: c.431C>T, p.Thr144Ile (NM_001024688.3); short protein forms T226I, T144I.
Identifiers: ClinVar variation 490060 (VCV000490060.23), dbSNP rs1554564219, ClinGen allele CA371658993.